The following is an entry in ClinVar:

ClinVar aggregate classification (germline): Likely benign (0 of 4 stars; one submission).

Conditions:
PDE1A-related disorder. Also called: PDE1A-related condition.

Allele frequency attached by ClinVar (database versions not stated): gnomAD 0.00066; TOPMed 0.00077; ExAC 0.00100; 1000 Genomes Project 30x 0.00203; 1000 Genomes Project 0.00260.
gnomAD v4.1: 872 of 1,530,952 alleles (0.057%); highest among the groups gnomAD compares: East Asian, 1.6%; 12 homozygotes.

Submission:

PreventionGenetics, part of Exact Sciences
Classification: Likely benign for PDE1A-related condition. Last evaluated: 2021-11-29. Review status: no assertion criteria provided. Collection method: clinical testing. Allele origin: germline.
Comment: This variant is classified as likely benign based on ACMG/AMP sequence variant interpretation guidelines (Richards et al. 2015 PMID: 25741868, with internal and published modifications).

NM_001363871.4(PDE1A):c.168-1621T>G

Gene: PDE1A (phosphodiesterase 1A; minus strand). Cytogenetic location: 2q32.1.
Variant type: single nucleotide variant.
Coding change: c.168-1621T>G on transcript NM_001363871.4 (MANE Select); 1621 bases into the intron before coding-DNA position 168, T replaced by G.
Molecular consequence: intron variant. On other transcripts: missense variant (2), initiator codon variant (2).
Genome position (GRCh38, 1-based): chr2:182,241,913, A>C on the plus strand (T>G on the coding strand, the complement: PDE1A is on the minus strand). VCF-style: chr2-182241913-A-C. GRCh37 (hg19) VCF-style: chr2-183106640-A-C.
Other names: c.2T>G, p.Met1Arg (NM_001258314.3, NM_001395269.1); c.216-1621T>G (NM_001395258.2, NM_001395259.2, NM_001395260.2 and 7 more transcripts); c.228-1621T>G (NM_001258312.3); c.-97-1621T>G (NM_001395265.2); c.168-1621T>G (NM_001258313.3, NM_001395264.1, NM_001395268.1); short protein forms M1R.
Identifiers: ClinVar variation 3042224 (VCV003042224.2), dbSNP rs182089527, ClinGen allele CA2012879.
Genomic context (GRCh38, chr2:182,241,913, plus strand): 5'-TTACCCCTAAAACACTGAACTAGAAAATTAAAGCAAAATAGTTTGTTTATCTTTTTGCCC[A>C]TTTGAAATTAGATTCCCTAGCCCATTTCAGCAAGTCACTAAACTTCATGGCTTGAAAATA-3'